The following is an entry in ClinVar:

ClinVar aggregate classification (germline): Uncertain significance (1 of 4 stars; one submission).

Conditions:
Alstrom syndrome (ALMS). Identifiers: Orphanet 64, MedGen C0268425, MONDO:0008763, OMIM 203800.

Submission:

Labcorp Genetics (formerly Invitae), Labcorp
Classification: Uncertain significance for Alstrom syndrome. Last evaluated: 2022-07-12. Review status: criteria provided, single submitter. Criteria: Invitae Variant Classification Sherloc (09022015). Collection method: clinical testing. Allele origin: germline.
Comment: In summary, the available evidence is currently insufficient to determine the role of this variant in disease. Therefore, it has been classified as a Variant of Uncertain Significance. This sequence change replaces aspartic acid, which is acidic and polar, with glycine, which is neutral and non-polar, at codon 182 of the ALMS1 protein (p.Asp182Gly). This variant is not present in population databases (gnomAD no frequency). This variant has not been reported in the literature in individuals affected with ALMS1-related conditions.

NM_001378454.1(ALMS1):c.542A>G (p.Asp181Gly)

Gene: ALMS1 (ALMS1 centrosome and basal body associated protein; plus strand). Cytogenetic location: 2p13.1.
Variant type: single nucleotide variant.
Coding change: c.542A>G on transcript NM_001378454.1 (MANE Select); coding-DNA position 542, A replaced by G.
Protein change: p.Asp181Gly; replaces aspartic acid 181 with glycine.
Molecular consequence: missense variant.
Genome position (GRCh38, 1-based): chr2:73,419,214, A>G. VCF-style: chr2-73419214-A-G. GRCh37 (hg19) VCF-style: chr2-73646342-A-G.
Other names: c.545A>G, p.Asp182Gly (NM_015120.4); short protein forms D182G, D181G.
Identifiers: ClinVar variation 1991515 (VCV001991515.4), dbSNP rs2466036356, ClinGen allele CA347259048.